The following is an entry in ClinVar:

NM_001131016.2(CIZ1):c.2246A>T (p.Asp749Val)

Gene: CIZ1 (CDKN1A interacting zinc finger protein 1; minus strand). Cytogenetic location: 9q34.11.
Variant type: single nucleotide variant.
Coding change: c.2246A>T on transcript NM_001131016.2 (MANE Select); coding-DNA position 2246, A replaced by T.
Protein change: p.Asp749Val; replaces aspartic acid 749 with valine.
Molecular consequence: missense variant.
Genome position (GRCh38, 1-based): chr9:128,169,101, T>A on the plus strand (A>T on the coding strand, the complement: CIZ1 is on the minus strand). VCF-style: chr9-128169101-T-A. GRCh37 (hg19) VCF-style: chr9-130931380-T-A.
Other names: c.2078A>T, p.Asp693Val (NM_001131015.2); c.2063A>T, p.Asp688Val (NM_001131017.2); c.2006A>T, p.Asp669Val (NM_001131018.2); c.2414A>T, p.Asp805Val (NM_001257975.2); c.1943A>T, p.Asp648Val (NM_001257976.2); c.2246A>T, p.Asp749Val (NM_012127.3); short protein forms D749V, D805V, D648V, D693V, D669V, D688V.
Identifiers: ClinVar variation 1940033 (VCV001940033.5), dbSNP rs2538740963, ClinGen allele CA375017664.

ClinVar aggregate classification (germline): Uncertain significance (1 of 4 stars; one submission).

Conditions:
Dystonic disorder. Also called: Dystonia. Identifiers: MedGen C0013421, MONDO:0003441, HP:0001332.

Submission:

Labcorp Genetics (formerly Invitae), Labcorp
Classification: Uncertain significance for Dystonic disorder. Last evaluated: 2022-10-08. Review status: criteria provided, single submitter. Criteria: Invitae Variant Classification Sherloc (09022015). Collection method: clinical testing. Allele origin: germline.
Comment: In summary, the available evidence is currently insufficient to determine the role of this variant in disease. Therefore, it has been classified as a Variant of Uncertain Significance. Algorithms developed to predict the effect of missense changes on protein structure and function are either unavailable or do not agree on the potential impact of this missense change (SIFT: "Deleterious"; PolyPhen-2: "Benign"; Align-GVGD: "Class C0"). This variant has not been reported in the literature in individuals affected with CIZ1-related conditions. This variant is not present in population databases (gnomAD no frequency). This sequence change replaces aspartic acid, which is acidic and polar, with valine, which is neutral and non-polar, at codon 749 of the CIZ1 protein (p.Asp749Val).